The following is an entry in ClinVar:

ClinVar aggregate classification (germline): Pathogenic (1 of 4 stars; one submission).

Conditions:
Giant axonal neuropathy 1 (GAN1). Also called: GAN-Related Neurodegeneration; GIANT AXONAL NEUROPATHY 1, AUTOSOMAL RECESSIVE. Identifiers: Orphanet 643, MedGen C1850386, MONDO:0009749, OMIM 256850.

gnomAD v4.1: 2 of 1,612,358 alleles (0.00012%); highest among the groups gnomAD compares: Non-Finnish European, 0.00017%; no homozygotes.

Submission:

Labcorp Genetics (formerly Invitae), Labcorp
Classification: Pathogenic for Giant axonal neuropathy 1. Last evaluated: 2022-05-18. Review status: criteria provided, single submitter. Criteria: Invitae Variant Classification Sherloc (09022015). Collection method: clinical testing. Allele origin: germline.
Comment: For these reasons, this variant has been classified as Pathogenic. Algorithms developed to predict the effect of sequence changes on RNA splicing suggest that this variant may disrupt the consensus splice site. This variant has not been reported in the literature in individuals affected with GAN-related conditions. This variant is not present in population databases (gnomAD no frequency). This sequence change creates a premature translational stop signal (p.Tyr394*) in the GAN gene. It is expected to result in an absent or disrupted protein product. Loss-of-function variants in GAN are known to be pathogenic (PMID: 12655563, 14718689, 23890932).

Literature cited by the submitters: PubMed 12655563; PubMed 14718689; PubMed 23890932.

NM_022041.4(GAN):c.1182C>A (p.Tyr394Ter)

Gene: GAN (gigaxonin; plus strand). Cytogenetic location: 16q23.2.
Variant type: single nucleotide variant.
Coding change: c.1182C>A on transcript NM_022041.4 (MANE Select); coding-DNA position 1182, C replaced by A.
Protein change: p.Tyr394Ter; replaces tyrosine 394 with a stop codon.
Molecular consequence: nonsense.
Genome position (GRCh38, 1-based): chr16:81,363,889, C>A. VCF-style: chr16-81363889-C-A. GRCh37 (hg19) VCF-style: chr16-81397494-C-A.
Other names: c.543C>A, p.Tyr181Ter (NM_001377486.1); short protein forms Y394*, Y181*.
Identifiers: ClinVar variation 1996143 (VCV001996143.4), dbSNP rs150102659, ClinGen allele CA284268340.